The following is an entry in ClinVar:

NM_018344.6(SLC29A3):c.743A>G (p.Tyr248Cys)

Gene: SLC29A3 (solute carrier family 29 member 3; plus strand). Cytogenetic location: 10q22.1.
Variant type: single nucleotide variant.
Coding change: c.743A>G on transcript NM_018344.6 (MANE Select); coding-DNA position 743, A replaced by G.
Protein change: p.Tyr248Cys; replaces tyrosine 248 with cysteine.
Molecular consequence: missense variant. On other transcripts: non-coding transcript variant (2).
Genome position (GRCh38, 1-based): chr10:71,356,213, A>G. VCF-style: chr10-71356213-A-G. GRCh37 (hg19) VCF-style: chr10-73115970-A-G.
Other names: c.743A>G, p.Tyr248Cys (NM_001174098.2); c.509A>G, p.Tyr170Cys (NM_001363518.2); short protein forms Y248C, Y170C.
Identifiers: ClinVar variation 851399 (VCV000851399.2), dbSNP rs1183935684, ClinGen allele CA377111613.

ClinVar aggregate classification (germline): Uncertain significance (1 of 4 stars; one submission).

Conditions:
H syndrome. Also called: Asrar Facharzt Haque syndrome; HISTIOCYTOSIS AND LYMPHADENOPATHY WITH OR WITHOUT CUTANEOUS, CARDIAC, AND/OR ENDOCRINE FEATURES, JOINT CONTRACTURES, AND/OR DEAFNESS; HYPERPIGMENTATION, CUTANEOUS, WITH HYPERTRICHOSIS, HEPATOSPLENOMEGALY, HEART ANOMALIES, AND HYPOGONADISM WITH OR WITHOUT HEARING LOSS; PIGMENTED HYPERTRICHOSIS WITH INSULIN-DEPENDENT DIABETES MELLITUS; ROSAI-DORFMAN DISEASE, FAMILIAL; SINUS HISTIOCYTOSIS AND MASSIVE LYMPHADENOPATHY. Identifiers: Orphanet 168569, MedGen C1864445, MONDO:0011273, OMIM 602782.

Allele frequency attached by ClinVar (database versions not stated): gnomAD exomes below 0.00001.

Submission:

Labcorp Genetics (formerly Invitae), Labcorp
Classification: Uncertain significance for H syndrome. Last evaluated: 2025-04-07. Review status: criteria provided, single submitter. Criteria: Invitae Variant Classification Sherloc (09022015). Collection method: clinical testing. Allele origin: germline.
Comment: This sequence change replaces tyrosine, which is neutral and polar, with cysteine, which is neutral and slightly polar, at codon 248 of the SLC29A3 protein (p.Tyr248Cys). This variant is present in population databases (no rsID available, gnomAD 0.006%). This variant has not been reported in the literature in individuals affected with SLC29A3-related conditions. ClinVar contains an entry for this variant (Variation ID: 851399). Invitae Evidence Modeling of protein sequence and biophysical properties (such as structural, functional, and spatial information, amino acid conservation, physicochemical variation, residue mobility, and thermodynamic stability) has been performed for this missense variant. However, the output from this modeling did not meet the statistical confidence thresholds required to predict the impact of this variant on SLC29A3 protein function. In summary, the available evidence is currently insufficient to determine the role of this variant in disease. Therefore, it has been classified as a Variant of Uncertain Significance.